The following is an entry in ClinVar:

NM_001080512.3(BICC1):c.1827del (p.Glu609fs)

Gene: BICC1 (BicC family RNA binding protein 1; plus strand). Cytogenetic location: 10q21.1.
Variant type: Deletion.
Coding change: c.1827del on transcript NM_001080512.3 (MANE Select); coding-DNA position 1827, one base deleted (G; older notation c.1827delG).
Protein change: p.Glu609fs; shifts the reading frame from glutamic acid 609.
Molecular consequence: frameshift variant.
Genome position (GRCh38, 1-based): chr10:58,800,295, G deleted. VCF-style (leftmost placement, unchanged base first): chr10-58800294-AG-A. GRCh37 (hg19) VCF-style: chr10-60560054-AG-A.
Other names: short protein forms E609fs.
Identifiers: ClinVar variation 3234043 (VCV003234043.1), dbSNP rs2492076262, ClinGen allele CA2825001674.
Genomic context (GRCh38, chr10:58,800,294, plus strand): 5'-TTGGAGAAAAAGTGCTGAGTGCAAATCACGGGGATCCGTCCATCCAGACAAGTGGGTCTG[AG>A]CAGACATCTCCCAAATCAAGCCCCACTGAAGGTCGGGAACTGTACCCTTCTGAAATTCAT-3'

ClinVar aggregate classification (germline): Likely pathogenic (1 of 4 stars; one submission).

Conditions:
Renal dysplasia, cystic, susceptibility to. Identifiers: MedGen C3275898, MONDO:0011037, OMIM 601331.

Submission:

MVZ Medizinische Genetik Mainz
Classification: Likely pathogenic for Renal dysplasia, cystic, susceptibility to. Last evaluated: 2022-09-28. Review status: criteria provided, single submitter. Criteria: UK Practice Guidelines For Variant Classification V4 01 2020. Collection method: clinical testing. Allele origin: germline. Inheritance: Autosomal dominant inheritance. Affected: yes. Observed: 2 variant alleles.
Comment: ACMG Criteria: PVS1, PM2_SUP (ACMG Version 3)